The following is an entry in ClinVar:

NM_000400.4(ERCC2):c.1297C>G (p.Leu433Val)

Gene: ERCC2 (ERCC excision repair 2, TFIIH core complex helicase subunit; minus strand). Cytogenetic location: 19q13.32.
Variant type: single nucleotide variant.
Coding change: c.1297C>G on transcript NM_000400.4 (MANE Select); coding-DNA position 1297, C replaced by G.
Protein change: p.Leu433Val; replaces leucine 433 with valine.
Molecular consequence: missense variant.
Genome position (GRCh38, 1-based): chr19:45,357,640, G>C on the plus strand (C>G on the coding strand, the complement: ERCC2 is on the minus strand). VCF-style: chr19-45357640-G-C. GRCh37 (hg19) VCF-style: chr19-45860898-G-C.
Other names: short protein forms L433V.
Identifiers: ClinVar variation 3231630 (VCV003231630.1), dbSNP rs2514013887, ClinGen allele CA406367934.

ClinVar aggregate classification (germline): Uncertain significance (1 of 4 stars; one submission).

Conditions:
Inborn genetic diseases. Identifiers: MedGen C0950123, MeSH D030342.

Allele frequency attached by ClinVar (database versions not stated): gnomAD exomes below 0.00001.
gnomAD v4.1: 1 of 1,614,138 alleles (0.000062%); highest among the groups gnomAD compares: Non-Finnish European, 0.000085%; no homozygotes.

Submission:

Ambry Genetics
Classification: Uncertain significance for Inborn genetic diseases. Last evaluated: 2024-03-10. Review status: criteria provided, single submitter. Criteria: Ambry Variant Classification Scheme 2023. Collection method: clinical testing. Allele origin: germline.
Comment: The p.L433V variant (also known as c.1297C>G), located in coding exon 13 of the ERCC2 gene, results from a C to G substitution at nucleotide position 1297. The leucine at codon 433 is replaced by valine, an amino acid with highly similar properties. This amino acid position is conserved. In addition, this alteration is predicted to be deleterious by in silico analysis. Based on the available evidence, the clinical significance of this alteration remains unclear.